The following is an entry in ClinVar:

ClinVar aggregate classification (germline): Likely benign. Review status: criteria provided, multiple submitters, no conflicts (2 of 4 stars). 2 submissions from 2 submitters: Likely benign (2). Last evaluated 2024-11-12.

Conditions:
Renal cell carcinoma. Identifiers: Orphanet 217071, MedGen C0007134, MeSH D002292, MONDO:0005086, HP:0005584.
Papillary renal cell carcinoma type 1 (RCCP1). Also called: Renal adenocarcinoma; Renal cell carcinoma 1; Renal cell carcinoma, somatic; RENAL CELL CARCINOMA, PAPILLARY, 1, SOMATIC. Identifiers: Orphanet 47044, MedGen C1336839, OMIM 605074, HP:0011797.

Submissions (2):

Myriad Genetics, Inc.
Classification: Likely benign for Papillary renal cell carcinoma type 1. Last evaluated: 2024-11-12. Review status: criteria provided, single submitter. Criteria: Myriad Autosomal Dominant, Autosomal Recessive and X-Linked Classification Criteria (2023). Collection method: clinical testing. Allele origin: unknown.
Comment: This variant is considered likely benign. This variant is intronic and is not expected to impact mRNA splicing.

Labcorp Genetics (formerly Invitae), Labcorp
Classification: Likely benign for Renal cell carcinoma. Last evaluated: 2021-08-11. Review status: criteria provided, single submitter. Criteria: Invitae Variant Classification Sherloc (09022015). Collection method: clinical testing. Allele origin: germline.

NM_000245.4(MET):c.3029-18T>C

Gene: MET (MET proto-oncogene, receptor tyrosine kinase; plus strand). Cytogenetic location: 7q31.2.
Variant type: single nucleotide variant.
Coding change: c.3029-18T>C on transcript NM_000245.4 (MANE Select); 18 bases into the intron before coding-DNA position 3029, T replaced by C.
Molecular consequence: intron variant.
Genome position (GRCh38, 1-based): chr7:116,774,863, T>C. VCF-style: chr7-116774863-T-C. GRCh37 (hg19) VCF-style: chr7-116414917-T-C.
Other names: c.3083-18T>C (NM_001127500.3); c.1739-18T>C (NM_001324402.2).
Identifiers: ClinVar variation 1631012 (VCV001631012.9), dbSNP rs1794944566, ClinGen allele CA1737038834.